The following is an entry in ClinVar:

NM_033641.4(COL4A6):c.3569C>G (p.Pro1190Arg)

Gene: COL4A6 (collagen type IV alpha 6 chain; minus strand). Cytogenetic location: Xq22.3.
Variant type: single nucleotide variant.
Coding change: c.3569C>G on transcript NM_033641.4 (MANE Select); coding-DNA position 3569, C replaced by G.
Protein change: p.Pro1190Arg; replaces proline 1190 with arginine.
Molecular consequence: missense variant.
Genome position (GRCh38, 1-based): chrX:108,169,617, G>C on the plus strand (C>G on the coding strand, the complement: COL4A6 is on the minus strand). VCF-style: chrX-108169617-G-C. GRCh37 (hg19) VCF-style: chrX-107412847-G-C.
Other names: c.3620C>G, p.Pro1207Arg (NM_001287758.2); c.3497C>G, p.Pro1166Arg (NM_001287759.2, NM_001287760.2); c.3572C>G, p.Pro1191Arg (NM_001847.4); short protein forms P1166R, P1190R, P1191R, P1207R.
Identifiers: ClinVar variation 2918607 (VCV002918607.3), dbSNP rs773974179, ClinGen allele CA10487389.

ClinVar aggregate classification (germline): Uncertain significance (1 of 4 stars; one submission).

Allele frequency attached by ClinVar (database versions not stated): TOPMed 0.00001; gnomAD 0.00002; gnomAD exomes 0.00002; ExAC 0.00003.
gnomAD v4.1: 29 of 1,205,966 alleles (0.0024%); highest among the groups gnomAD compares: Non-Finnish European, 0.0031%; no homozygotes.

Submission:

Labcorp Genetics (formerly Invitae), Labcorp
Classification: Uncertain significance. Last evaluated: 2023-08-08. Review status: criteria provided, single submitter. Criteria: Invitae Variant Classification Sherloc (09022015). Collection method: clinical testing. Allele origin: germline.
Comment: This sequence change replaces proline, which is neutral and non-polar, with arginine, which is basic and polar, at codon 1191 of the COL4A6 protein (p.Pro1191Arg). This variant is present in population databases (rs773974179, gnomAD 0.004%). This variant has not been reported in the literature in individuals affected with COL4A6-related conditions. Advanced modeling of protein sequence and biophysical properties (such as structural, functional, and spatial information, amino acid conservation, physicochemical variation, residue mobility, and thermodynamic stability) performed at Invitae indicates that this missense variant is not expected to disrupt COL4A6 protein function. In summary, the available evidence is currently insufficient to determine the role of this variant in disease. Therefore, it has been classified as a Variant of Uncertain Significance.